The following is an entry in ClinVar:

NM_000138.5(FBN1):c.1871T>G (p.Met624Arg)

Gene: FBN1 (fibrillin 1; minus strand). Cytogenetic location: 15q21.1.
Variant type: single nucleotide variant.
Coding change: c.1871T>G on transcript NM_000138.5 (MANE Select); coding-DNA position 1871, T replaced by G.
Protein change: p.Met624Arg; replaces methionine 624 with arginine.
Molecular consequence: missense variant.
Genome position (GRCh38, 1-based): chr15:48,505,114, A>C on the plus strand (T>G on the coding strand, the complement: FBN1 is on the minus strand). VCF-style: chr15-48505114-A-C. GRCh37 (hg19) VCF-style: chr15-48797311-A-C.
Other names: short protein forms M624R.
Identifiers: ClinVar variation 650371 (VCV000650371.8), dbSNP rs1597575080, ClinGen allele CA392339136.

ClinVar aggregate classification (germline): Uncertain significance (1 of 4 stars; one submission).

Conditions:
Familial thoracic aortic aneurysm and aortic dissection (TAAD). Also called: Thoracic aortic aneurysms and dissections. Identifiers: Orphanet 91387, MedGen C4707243, MONDO:0019625.
Marfan syndrome (MFS). Also called: FBN1-Related Marfan Syndrome; Marfan syndrome type 1; Marfan's syndrome; Marfan syndrome, classic; MARFAN SYNDROME, TYPE I. Identifiers: Orphanet 284963, Orphanet 558, MedGen C0024796, MONDO:0007947, OMIM 154700.

Submission:

Labcorp Genetics (formerly Invitae), Labcorp
Classification: Uncertain significance for Marfan syndrome; Familial thoracic aortic aneurysm and aortic dissection. Last evaluated: 2023-07-10. Review status: criteria provided, single submitter. Criteria: Invitae Variant Classification Sherloc (09022015). Collection method: clinical testing. Allele origin: germline.
Comment: In summary, the available evidence is currently insufficient to determine the role of this variant in disease. Therefore, it has been classified as a Variant of Uncertain Significance. Advanced modeling of protein sequence and biophysical properties (such as structural, functional, and spatial information, amino acid conservation, physicochemical variation, residue mobility, and thermodynamic stability) performed at Invitae indicates that this missense variant is not expected to disrupt FBN1 protein function. ClinVar contains an entry for this variant (Variation ID: 650371). This variant has not been reported in the literature in individuals affected with FBN1-related conditions. This variant is not present in population databases (gnomAD no frequency). This sequence change replaces methionine, which is neutral and non-polar, with arginine, which is basic and polar, at codon 624 of the FBN1 protein (p.Met624Arg).